The following is an entry in ClinVar:

ClinVar aggregate classification (germline): Uncertain significance (1 of 4 stars; one submission).

Allele frequency attached by ClinVar (database versions not stated): gnomAD 0.00001; TOPMed 0.00001.

Submission:

GeneDx
Classification: Uncertain significance. Last evaluated: 2021-12-02. Review status: criteria provided, single submitter. Criteria: GeneDx Variant Classification Process June 2021. Collection method: clinical testing. Allele origin: germline. Affected: yes.
Comment: In silico analysis supports that this missense variant does not alter protein structure/function; Has not been previously published as pathogenic or benign to our knowledge

NM_005334.3(HCFC1):c.1416T>G (p.Ile472Met)

Gene: HCFC1 (host cell factor C1; minus strand). Cytogenetic location: Xq28.
Variant type: single nucleotide variant.
Coding change: c.1416T>G on transcript NM_005334.3 (MANE Select); coding-DNA position 1416, T replaced by G.
Protein change: p.Ile472Met; replaces isoleucine 472 with methionine.
Molecular consequence: missense variant.
Genome position (GRCh38, 1-based): chrX:153,959,830, A>C on the plus strand (T>G on the coding strand, the complement: HCFC1 is on the minus strand). VCF-style: chrX-153959830-A-C. GRCh37 (hg19) VCF-style: chrX-153225281-A-C.
Other names: short protein forms I472M.
Identifiers: ClinVar variation 1691197 (VCV001691197.2), dbSNP rs1176809105, ClinGen allele CA415141091.